The following is an entry in ClinVar:

NM_145239.3(PRRT2):c.943C>T (p.Leu315Phe)

Genes: MVP-DT (MVP divergent transcript; minus strand), PRRT2 (proline rich transmembrane protein 2; plus strand). Cytogenetic location: 16p11.2.
Variant type: single nucleotide variant.
Coding change: c.943C>T on transcript NM_145239.3 (MANE Select); coding-DNA position 943, C replaced by T.
Protein change: p.Leu315Phe; replaces leucine 315 with phenylalanine.
Molecular consequence: missense variant. On other transcripts: 3 prime UTR variant (1).
Genome position (GRCh38, 1-based): chr16:29,814,396, C>T. VCF-style: chr16-29814396-C-T. GRCh37 (hg19) VCF-style: chr16-29825717-C-T.
Other names: c.943C>T, p.Leu315Phe (NM_001256442.2); c.*442C>T (NM_001256443.2); short protein forms L315F.
Identifiers: ClinVar variation 843849 (VCV000843849.10), dbSNP rs1900140264, ClinGen allele CA395480653.
Genomic context (GRCh38, chr16:29,814,396, plus strand): 5'-CGGAACAGCCTGCAGCAGGGGGACGTGGACGGGGCCCAGCGTCTGGGCCGGGTAGCCAAG[C>T]TCTTAAGCATCGTGGCGCTGGTGGGGGGAGTCCTCATCATCATCGCCTCCTGCGTCATCA-3'
Protein context (NP_660282.2, residues 305-325): GAQRLGRVAK[Leu315Phe]LSIVALVGGV

ClinVar aggregate classification (germline): Uncertain significance (1 of 4 stars; one submission).

Conditions:
Episodic kinesigenic dyskinesia (EKD). Also called: Paroxysmal kinesigenic dyskinesia. Identifiers: Orphanet 98809, MedGen C1868682, MONDO:0044202.

Submission:

Labcorp Genetics (formerly Invitae), Labcorp
Classification: Uncertain significance for Episodic kinesigenic dyskinesia. Last evaluated: 2019-05-30. Review status: criteria provided, single submitter. Criteria: Invitae Variant Classification Sherloc (09022015). Collection method: clinical testing. Allele origin: germline.
Comment: In summary, the available evidence is currently insufficient to determine the role of this variant in disease. Therefore, it has been classified as a Variant of Uncertain Significance. Algorithms developed to predict the effect of missense changes on protein structure and function are either unavailable or do not agree on the potential impact of this missense change (SIFT: "Deleterious"; PolyPhen-2: "Probably Damaging"; Align-GVGD: "Class C0"). This variant has not been reported in the literature in individuals with PRRT2-related conditions. This variant is not present in population databases (ExAC no frequency). This sequence change replaces leucine with phenylalanine at codon 315 of the PRRT2 protein (p.Leu315Phe). The leucine residue is highly conserved and there is a small physicochemical difference between leucine and phenylalanine.